The following is an entry in ClinVar:

NM_000152.5(GAA):c.2740C>T (p.Gln914Ter)

Gene: GAA (alpha glucosidase; plus strand). Cytogenetic location: 17q25.3.
Variant type: single nucleotide variant.
Coding change: c.2740C>T on transcript NM_000152.5 (MANE Select); coding-DNA position 2740, C replaced by T.
Protein change: p.Gln914Ter; replaces glutamine 914 with a stop codon.
Molecular consequence: nonsense.
Genome position (GRCh38, 1-based): chr17:80,118,746, C>T. VCF-style: chr17-80118746-C-T. GRCh37 (hg19) VCF-style: chr17-78092545-C-T.
Other names: c.2740C>T, p.Gln914Ter (NM_001079803.3, NM_001079804.3); c.2740C>T (LRG_673t1); short protein forms Q914*.
Identifiers: ClinVar variation 456415 (VCV000456415.13), dbSNP rs1555603264, ClinGen allele CA401327117.
Genomic context (GRCh38, chr17:80,118,746, plus strand): 5'-AGTGAGGGAGCTGGCCTGCAGCTGCAGAAGGTGACTGTCCTGGGCGTGGCCACGGCGCCC[C>T]AGCAGGTCCTCTCCAACGGTGTCCCTGTCTCCAACTTCACCTACAGCCCCGACACCAAGG-3'

ClinVar aggregate classification (germline): Likely pathogenic. Review status: reviewed by expert panel (3 of 4 stars). 3 submissions from 3 submitters: Likely pathogenic (1). 2 of the submissions do not count toward it. Last evaluated 2026-07-06.

Conditions:
Glycogen storage disease, type II (IOPD). Also called: Glycogen storage disease type 2; Acid maltase deficiency disease; Aglucosidase alfa; Deficiency of alpha-glucosidase; Deficiency of lysosomal alpha-glucosidase; Glucosidase acid-1,4-alpha deficiency. Identifiers: Orphanet 365, MedGen C0017921, MONDO:0009290, OMIM 232300.

Submissions (3):

ClinGen Lysosomal Storage Disorder Variant Curation Expert Panel
Classification: Likely pathogenic for Glycogen storage disease, type II. Last evaluated: 2026-07-06. Review status: reviewed by expert panel. Criteria: clingen_lsd_acmg_specifications_v2-1. Collection method: curation. Allele origin: germline. Inheritance: Autosomal recessive inheritance.
Comment: The NM_000152.5:c.2740C>T (p.Gln914Ter) variant in GAA is a nonsense variant predicted to cause a premature stop codon (PTC) in biologically-relevant-exon 19/20, in a gene in which loss-of-function is an established disease mechanism. While the PTC occurs in the penultimate exon of GAA, it is still predicted to lead to nonsense mediated decay (PVS1). The variant is absent in gnomAD v4.1.1. (PM2_Supporting). To our knowledge, this variant has not been reported in the literature in individuals with Pompe disease, and results of experimental studies are not available. There is a ClinVar entry for this variant (Variation ID: 456415). The classification of this variant has been upgraded from Variant of Uncertain Significance to Likely Pathogenic based on the recommendations of the ClinGen Sequence Variant Interpretation Working Group, that a variant meeting PVS1 and PM2_Supporting is classified as Likely Pathogenic. In summary, this variant meets the criteria to be classified as Likely Pathogenic for Pompe disease. GAA-specific ACMG/AMP criteria met, based on the specifications of the ClinGen Lysosomal Diseases VCEP (Specifications Version 2.0): PVS1, PM2_Supporting. (Classification approved by the ClinGen Lysosomal Diseases VCEP, July 6, 2026).

Myriad Genetics, Inc.
Classification: Pathogenic for Glycogen storage disease, type II. Last evaluated: 2025-06-17. Review status: criteria provided, single submitter. Criteria: Myriad Autosomal Dominant, Autosomal Recessive and X-Linked Classification Criteria (2023). Collection method: clinical testing. Allele origin: unknown. Not counted in ClinVar's aggregate classification.
Comment: NM_000152.3(GAA):c.2740C>T(Q914*) is a nonsense variant classified as pathogenic in the context of Pompe disease. Q914* has not been observed in cases with relevant disease. Relevant functional assessments of this variant are not available in the literature. Q914* has not been observed in referenced population frequency databases. In summary, NM_000152.3(GAA):c.2740C>T(Q914*) is a nonsense variant in a gene where loss of function is a known mechanism of disease and is predicted to disrupt protein function. Please note: this variant was assessed in the context of healthy population screening.

Labcorp Genetics (formerly Invitae), Labcorp
Classification: Pathogenic for Glycogen storage disease, type II. Last evaluated: 2022-08-22. Review status: criteria provided, single submitter. Criteria: Invitae Variant Classification Sherloc (09022015). Collection method: clinical testing. Allele origin: germline. Not counted in ClinVar's aggregate classification.
Comment: This sequence change creates a premature translational stop signal (p.Gln914*) in the GAA gene. It is expected to result in an absent or disrupted protein product. Loss-of-function variants in GAA are known to be pathogenic (PMID: 18425781, 22252923). This variant is not present in population databases (gnomAD no frequency). This variant has not been reported in the literature in individuals affected with GAA-related conditions. ClinVar contains an entry for this variant (Variation ID: 456415). For these reasons, this variant has been classified as Pathogenic.

Literature cited by the submitters: PubMed 18425781 (cited by Labcorp Genetics (formerly Invitae), Labcorp); PubMed 22252923 (cited by Labcorp Genetics (formerly Invitae), Labcorp).